The following is an entry in ClinVar:

NM_005033.3(EXOSC9):c.725T>C (p.Leu242Pro)

Gene: EXOSC9 (exosome component 9; plus strand). Cytogenetic location: 4q27.
Variant type: single nucleotide variant.
Coding change: c.725T>C on transcript NM_005033.3 (MANE Select); coding-DNA position 725, T replaced by C.
Protein change: p.Leu242Pro; replaces leucine 242 with proline.
Molecular consequence: missense variant.
Genome position (GRCh38, 1-based): chr4:121,810,086, T>C. VCF-style: chr4-121810086-T-C. GRCh37 (hg19) VCF-style: chr4-122731241-T-C.
Other names: c.725T>C, p.Leu242Pro (NM_001034194.2); short protein forms L242P.
Identifiers: ClinVar variation 2022050 (VCV002022050.4), dbSNP rs2476769756, ClinGen allele CA358044713.

ClinVar aggregate classification (germline): Uncertain significance (1 of 4 stars; one submission).

Submission:

Labcorp Genetics (formerly Invitae), Labcorp
Classification: Uncertain significance. Last evaluated: 2022-08-20. Review status: criteria provided, single submitter. Criteria: Invitae Variant Classification Sherloc (09022015). Collection method: clinical testing. Allele origin: germline.
Comment: In summary, the available evidence is currently insufficient to determine the role of this variant in disease. Therefore, it has been classified as a Variant of Uncertain Significance. This sequence change replaces leucine, which is neutral and non-polar, with proline, which is neutral and non-polar, at codon 242 of the EXOSC9 protein (p.Leu242Pro). This variant is not present in population databases (gnomAD no frequency). This variant has not been reported in the literature in individuals affected with EXOSC9-related conditions. Algorithms developed to predict the effect of missense changes on protein structure and function (SIFT, PolyPhen-2, Align-GVGD) all suggest that this variant is likely to be disruptive.